The following is an entry in ClinVar:

ClinVar aggregate classification (germline): Pathogenic (1 of 4 stars; one submission).

Submission:

Labcorp Genetics (formerly Invitae), Labcorp
Classification: Pathogenic. Last evaluated: 2022-06-08. Review status: criteria provided, single submitter. Criteria: Invitae Variant Classification Sherloc (09022015). Collection method: clinical testing. Allele origin: germline.
Comment: For these reasons, this variant has been classified as Pathogenic. This variant has not been reported in the literature in individuals affected with GLE1-related conditions. This variant is not present in population databases (gnomAD no frequency). This sequence change creates a premature translational stop signal (p.Asp651Glyfs*7) in the GLE1 gene. It is expected to result in an absent or disrupted protein product. Loss-of-function variants in GLE1 are known to be pathogenic (PMID: 18204449, 24243016, 27684565).

Literature cited by the submitters: PubMed 18204449; PubMed 24243016; PubMed 27684565.

NM_001003722.2(GLE1):c.1951dup (p.Asp651fs)

Genes: GLE1 (GLE1 RNA export mediator; plus strand), LOC101929270 (uncharacterized LOC101929270; minus strand). Cytogenetic location: 9q34.11.
Variant type: Duplication.
Coding change: c.1951dup on transcript NM_001003722.2 (MANE Select); coding-DNA position 1951, one base duplicated (G; older notation c.1951dupG).
Protein change: p.Asp651fs; shifts the reading frame from aspartic acid 651.
Molecular consequence: frameshift variant.
Genome position (GRCh38, 1-based): chr9:128,539,685, G duplicated; the last of 2 consecutive G bases (chr9:128,539,684-128,539,685); duplicating either gives the same sequence. VCF-style (leftmost placement, unchanged base first): chr9-128539683-A-AG. GRCh37 (hg19) VCF-style: chr9-131301962-A-AG.
Other names: c.1978dup, p.Asp660Glyfs (NM_001411013.1); c.1951dup, p.Asp651fs (NM_001499.2); short protein forms D651fs.
Identifiers: ClinVar variation 2003633 (VCV002003633.4), dbSNP rs2540647761, ClinGen allele CA2580079741.